The following is an entry in ClinVar:

NM_003119.4(SPG7):c.1013G>A (p.Gly338Asp)

Gene: SPG7 (SPG7 matrix AAA peptidase subunit, paraplegin; plus strand). Cytogenetic location: 16q24.3.
Variant type: single nucleotide variant.
Coding change: c.1013G>A on transcript NM_003119.4 (MANE Select); coding-DNA position 1013, G replaced by A.
Protein change: p.Gly338Asp; replaces glycine 338 with aspartic acid.
Molecular consequence: missense variant.
Genome position (GRCh38, 1-based): chr16:89,531,929, G>A. VCF-style: chr16-89531929-G-A. GRCh37 (hg19) VCF-style: chr16-89598337-G-A.
Other names: c.1013G>A, p.Gly338Asp (NM_001363850.1, NM_199367.3); short protein forms G338D.
Identifiers: ClinVar variation 1706249 (VCV001706249.7), dbSNP rs1051219206, ClinGen allele CA286544367.

ClinVar aggregate classification (germline): Uncertain significance. Review status: criteria provided, multiple submitters, no conflicts (2 of 4 stars). 2 submissions from 2 submitters: Uncertain significance (2). Last evaluated 2022-03-17.

Conditions:
Hereditary spastic paraplegia 7 (SPG7). Also called: Spastic paraplegia 7; SPASTIC PARAPLEGIA 7, AUTOSOMAL RECESSIVE, WITH OR WITHOUT CEREBELLAR ATAXIA; SPG7-related neurologic disorder; Hereditary spastic paraplegia Paraplegin type; Autosomal recessive spastic paraplegia type 7. Identifiers: Orphanet 99013, MedGen C1846564, MONDO:0011803, OMIM 607259.

Allele frequency attached by ClinVar (database versions not stated): TOPMed 0.00001.

Submissions (2):

GeneDx
Classification: Uncertain significance. Last evaluated: 2022-03-17. Review status: criteria provided, single submitter. Criteria: GeneDx Variant Classification Process June 2021. Collection method: clinical testing. Allele origin: germline. Affected: yes.
Comment: Not observed at significant frequency in large population cohorts (gnomAD); In silico analysis supports that this missense variant has a deleterious effect on protein structure/function; Has not been previously published as pathogenic or benign to our knowledge

Labcorp Genetics (formerly Invitae), Labcorp
Classification: Uncertain significance for Hereditary spastic paraplegia 7. Last evaluated: 2022-02-17. Review status: criteria provided, single submitter. Criteria: Invitae Variant Classification Sherloc (09022015). Collection method: clinical testing. Allele origin: germline.
Comment: This sequence change replaces glycine, which is neutral and non-polar, with aspartic acid, which is acidic and polar, at codon 338 of the SPG7 protein (p.Gly338Asp). This variant is not present in population databases (gnomAD no frequency). This variant has not been reported in the literature in individuals affected with SPG7-related conditions. Advanced modeling of protein sequence and biophysical properties (such as structural, functional, and spatial information, amino acid conservation, physicochemical variation, residue mobility, and thermodynamic stability) performed at Invitae indicates that this missense variant is expected to disrupt SPG7 protein function. In summary, the available evidence is currently insufficient to determine the role of this variant in disease. Therefore, it has been classified as a Variant of Uncertain Significance.